The following is an entry in ClinVar:

NM_001379200.1(TBX1):c.1150_1152delinsAGGGCCGGCGGC (p.Pro383_Gly384insArgAlaGly)

Gene: TBX1 (T-box transcription factor 1; plus strand). Cytogenetic location: 22q11.21.
Variant type: Indel.
Coding change: c.1150_1152delinsAGGGCCGGCGGC on transcript NM_001379200.1 (MANE Select); coding-DNA positions 1150 to 1152, GGG replaced by AGGGCCGGCGGC.
Protein change: p.Pro383_Gly384insArgAlaGly.
Molecular consequence: inframe insertion. On other transcripts: intron variant (2).
Genome position (GRCh38, 1-based): chr22:19,766,502-19,766,504, GGG replaced by AGGGCCGGCGGC. VCF-style: chr22-19766502-GGG-AGGGCCGGCGGC. GRCh37 (hg19) VCF-style: chr22-19754025-GGG-AGGGCCGGCGGC.
Other names: c.1123_1125delGGGinsAGGGCCGGCGGC (NM_080647.1); c.1123_1125delinsAGGGCCGGCGGC, p.Pro374_Gly375insArgAlaGly (NM_080647.1); c.1009+500_1009+502delinsAGGGCCGGCGGC (NM_005992.1, NM_080646.2).
Identifiers: ClinVar variation 518617 (VCV000518617.10), dbSNP rs1555896709, ClinGen allele CA658799489.

ClinVar aggregate classification (germline): Uncertain significance. Review status: criteria provided, multiple submitters, no conflicts (2 of 4 stars). 2 submissions from 2 submitters: Uncertain significance (2). Last evaluated 2018-11-28.

Conditions:
Cardiovascular phenotype. Identifiers: MedGen CN230736.
DiGeorge syndrome. Also called: THIRD AND FOURTH PHARYNGEAL POUCH SYNDROME; Catch22. Identifiers: Orphanet 567, MedGen C0012236, MONDO:0008564, OMIM 188400.

Submissions (2):

Labcorp Genetics (formerly Invitae), Labcorp
Classification: Uncertain significance for DiGeorge syndrome. Last evaluated: 2018-11-28. Review status: criteria provided, single submitter. Criteria: Invitae Variant Classification Sherloc (09022015). Collection method: clinical testing. Allele origin: germline.
Comment: The frequency data for this variant in the population databases is considered unreliable, as metrics indicate insufficient coverage at this position in the ExAC database. This variant has not been reported in the literature in individuals with TBX1-related conditions. ClinVar contains an entry for this variant (Variation ID: 518617). Experimental studies and prediction algorithms are not available for this variant, and the functional significance of the affected amino acid(s) is currently unknown. In summary, the available evidence is currently insufficient to determine the role of this variant in disease. Therefore, it has been classified as a Variant of Uncertain Significance. This variant, c.1123_1125delinsAGGGCCGGCGGC, is a complex sequence change that results in the insertion of 3 amino acids of the TBX1 protein (p.Pro374_Gly375insArgAlaGly).

Ambry Genetics
Classification: Uncertain significance for Cardiovascular phenotype. Last evaluated: 2017-02-08. Review status: criteria provided, single submitter. Criteria: Ambry Variant Classification Scheme 2023. Collection method: clinical testing. Allele origin: germline.
Comment: The c.1123_1125delGGGins12 variant, located in coding exon 8 of the TBX1 gene, results from an in-frame deletion of GGG at nucleotide positions 1123 to 1125 and insertion of twelve nucleotides (AGGGCCGGCGGC). This results in the insertion of three amino acid residues, arginine, alanine and glycine (p.P374_G375insRAG). Since supporting evidence is limited at this time, the clinical significance of this alteration remains unclear.